The following is an entry in ClinVar:

ClinVar aggregate classification (germline): Pathogenic (1 of 4 stars; one submission).

Conditions:
Duchenne muscular dystrophy (DMD). Also called: MUSCULAR DYSTROPHY, PSEUDOHYPERTROPHIC PROGRESSIVE, DUCHENNE TYPE; Duchenne Muscular Dystrophy (DMD). Identifiers: Orphanet 98896, MedGen C0013264, MONDO:0010679, OMIM 310200.

Submission:

Labcorp Genetics (formerly Invitae), Labcorp
Classification: Pathogenic for Duchenne muscular dystrophy. Last evaluated: 2020-04-15. Review status: criteria provided, single submitter. Criteria: Invitae Variant Classification Sherloc (09022015). Collection method: clinical testing. Allele origin: germline.
Comment: This variant is an in-frame deletion of the genomic region encompassing exons 8-21 of the DMD gene. It preserves the integrity of the reading frame. This variant has been observed in several individuals affected with Duchenne (DMD) and/or Becker (BMD) Muscular Dystrophy (PMID: 17259292, 18752307, Invitae). In-frame exonic deletions in DMD are typically pathogenic (PMID: 19937601, 20485447). Sub-genic deletions encompassing exons 9-13 have been determined to be pathogenic (PMID: 17259292, 25482253, 18752307, 18055393, 14641995, 28181689). Therefore, deletions that fully encompass that region are also expected to be pathogenic. For these reasons, this variant has been classified as Pathogenic.

Literature cited by the submitters: PubMed 17259292; PubMed 18752307; PubMed 19937601; PubMed 20485447; PubMed 25482253; PubMed 18055393; PubMed 14641995; PubMed 28181689.

NC_000023.10:g.(?_32503026)_(32717420_?)del

Gene: DMD (dystrophin; minus strand). Cytogenetic location: Xp21.1.
Variant type: Deletion.
Identifiers: ClinVar variation 1076355 (VCV001076355.1).